The following is an entry in ClinVar:

NM_005763.4(AASS):c.2278T>C (p.Trp760Arg)

Gene: AASS (aminoadipate-semialdehyde synthase; minus strand). Cytogenetic location: 7q31.32.
Variant type: single nucleotide variant.
Coding change: c.2278T>C on transcript NM_005763.4 (MANE Select); coding-DNA position 2278, T replaced by C.
Protein change: p.Trp760Arg; replaces tryptophan 760 with arginine.
Molecular consequence: missense variant.
Genome position (GRCh38, 1-based): chr7:122,081,502, A>G on the plus strand (T>C on the coding strand, the complement: AASS is on the minus strand). VCF-style: chr7-122081502-A-G. GRCh37 (hg19) VCF-style: chr7-121721556-A-G.
Other names: short protein forms W760R.
Identifiers: ClinVar variation 1474170 (VCV001474170.6), dbSNP rs1584808186, ClinGen allele CA369031793.

ClinVar aggregate classification (germline): Uncertain significance (1 of 4 stars; one submission).

Submission:

Labcorp Genetics (formerly Invitae), Labcorp
Classification: Uncertain significance. Last evaluated: 2021-10-25. Review status: criteria provided, single submitter. Criteria: Invitae Variant Classification Sherloc (09022015). Collection method: clinical testing. Allele origin: germline.
Comment: This sequence change replaces tryptophan, which is neutral and slightly polar, with arginine, which is basic and polar, at codon 760 of the AASS protein (p.Trp760Arg). In summary, the available evidence is currently insufficient to determine the role of this variant in disease. Therefore, it has been classified as a Variant of Uncertain Significance. Algorithms developed to predict the effect of missense changes on protein structure and function (SIFT, PolyPhen-2, Align-GVGD) all suggest that this variant is likely to be disruptive. This variant has not been reported in the literature in individuals affected with AASS-related conditions. This variant is not present in population databases (gnomAD no frequency).